The following is an entry in ClinVar:

NM_015100.4(POGZ):c.3644A>G (p.Lys1215Arg)

Gene: POGZ (pogo transposable element derived with ZNF domain; minus strand). Cytogenetic location: 1q21.3.
Variant type: single nucleotide variant.
Coding change: c.3644A>G on transcript NM_015100.4 (MANE Select); coding-DNA position 3644, A replaced by G.
Protein change: p.Lys1215Arg; replaces lysine 1215 with arginine.
Molecular consequence: missense variant.
Genome position (GRCh38, 1-based): chr1:151,405,391, T>C on the plus strand (A>G on the coding strand, the complement: POGZ is on the minus strand). VCF-style: chr1-151405391-T-C. GRCh37 (hg19) VCF-style: chr1-151377867-T-C.
Other names: c.3617A>G, p.Lys1206Arg (NM_001194937.2); c.3458A>G, p.Lys1153Arg (NM_001194938.2); c.3665A>G, p.Lys1222Arg (NM_001410860.1); c.3359A>G, p.Lys1120Arg (NM_145796.4); c.3485A>G, p.Lys1162Arg (NM_207171.2); short protein forms K1120R, K1153R, K1162R, K1206R, K1215R, K1222R.
Identifiers: ClinVar variation 2579946 (VCV002579946.1), dbSNP rs2529198715, ClinGen allele CA341941009.

ClinVar aggregate classification (germline): Uncertain significance (1 of 4 stars; one submission).

Submission:

GeneDx
Classification: Uncertain significance. Last evaluated: 2023-09-10. Review status: criteria provided, single submitter. Criteria: GeneDx Variant Classification Process June 2021. Collection method: clinical testing. Allele origin: germline. Affected: yes.
Comment: Not observed at significant frequency in large population cohorts (gnomAD); In silico analysis supports that this missense variant does not alter protein structure/function; Has not been previously published as pathogenic or benign to our knowledge